The following is an entry in ClinVar:

NM_000059.4(BRCA2):c.8941G>C (p.Glu2981Gln)

Gene: BRCA2 (BRCA2 DNA repair associated; plus strand). Cytogenetic location: 13q13.1.
Variant type: single nucleotide variant.
Coding change: c.8941G>C on transcript NM_000059.4 (MANE Select); coding-DNA position 8941, G replaced by C.
Protein change: p.Glu2981Gln; replaces glutamic acid 2981 with glutamine.
Molecular consequence: missense variant. On other transcripts: non-coding transcript variant (1).
Genome position (GRCh38, 1-based): chr13:32,379,503, G>C. VCF-style: chr13-32379503-G-C. GRCh37 (hg19) VCF-style: chr13-32953640-G-C.
Other names: c.4009G>C, p.Glu1337Gln (NM_001406721.1); c.2524G>C, p.Glu842Gln (NM_001406722.1); c.8845G>C, p.Glu2949Gln (NM_001406719.1); c.8941G>C, p.Glu2981Gln (NM_001406720.1); short protein forms E2981Q, E1337Q, E2949Q, E842Q.
Identifiers: ClinVar variation 2586282 (VCV002586282.2), dbSNP rs139052578, ClinGen allele CA387757322.

ClinVar aggregate classification (germline): Uncertain significance (1 of 4 stars; one submission).

Conditions:
Hereditary cancer-predisposing syndrome. Also called: Hereditary neoplastic syndrome; Tumor predisposition; Hereditary Cancer Syndrome; Neoplastic Syndromes, Hereditary. Identifiers: Orphanet 140162, MedGen C0027672, MeSH D009386, MONDO:0015356.

Submission:

Ambry Genetics
Classification: Uncertain significance for Hereditary cancer-predisposing syndrome. Last evaluated: 2023-07-18. Review status: criteria provided, single submitter. Criteria: Ambry Variant Classification Scheme 2023. Collection method: clinical testing. Allele origin: germline.
Comment: The p.E2981Q variant (also known as c.8941G>C), located in coding exon 21 of the BRCA2 gene, results from a G to C substitution at nucleotide position 8941. The glutamic acid at codon 2981 is replaced by glutamine, an amino acid with highly similar properties. This amino acid position is not well conserved in available vertebrate species. In addition, this alteration is predicted to be tolerated by in silico analysis. Since supporting evidence is limited at this time, the clinical significance of this alteration remains unclear.